The following is an entry in ClinVar:

NM_018486.3(HDAC8):c.343A>G (p.Ile115Val)

Gene: HDAC8 (histone deacetylase 8; minus strand). Cytogenetic location: Xq13.1.
Variant type: single nucleotide variant.
Coding change: c.343A>G on transcript NM_018486.3 (MANE Select); coding-DNA position 343, A replaced by G.
Protein change: p.Ile115Val; replaces isoleucine 115 with valine.
Molecular consequence: missense variant. On other transcripts: non-coding transcript variant (4), intron variant (3).
Genome position (GRCh38, 1-based): chrX:72,567,983, T>C on the plus strand (A>G on the coding strand, the complement: HDAC8 is on the minus strand). VCF-style: chrX-72567983-T-C. GRCh37 (hg19) VCF-style: chrX-71787833-T-C.
Other names: c.343A>G, p.Ile115Val (NM_001166419.2, NM_001166420.2, NM_001166422.2 and 5 more transcripts); c.164+4074A>G (NM_001166418.2, NM_001410728.1, NM_001166448.2); short protein forms I115V.
Identifiers: ClinVar variation 4708849 (VCV004708849.1).

ClinVar aggregate classification (germline): Uncertain significance (1 of 4 stars; one submission).

Conditions:
Cornelia de Lange syndrome 5 (CDLS5). Also called: HDAC8-Related Cornelia de Lange Syndrome. Identifiers: Orphanet 199, MedGen C3550903, MONDO:0010471, OMIM 300882.

gnomAD v4.1: 11 of 1,211,542 alleles (0.00091%); highest among the groups gnomAD compares: Non-Finnish European, 0.0012%; no homozygotes.

Submission:

Labcorp Genetics (formerly Invitae), Labcorp
Classification: Uncertain significance for Cornelia de Lange syndrome 5. Last evaluated: 2025-11-24. Review status: criteria provided, single submitter. Criteria: Invitae Variant Classification Sherloc (09022015). Collection method: clinical testing. Allele origin: germline.
Comment: This sequence change replaces isoleucine, which is neutral and non-polar, with valine, which is neutral and non-polar, at codon 115 of the HDAC8 protein (p.Ile115Val). This variant is not present in population databases (gnomAD no frequency). This variant has not been reported in the literature in individuals affected with HDAC8-related conditions. Invitae Evidence Modeling of protein sequence and biophysical properties (such as structural, functional, and spatial information, amino acid conservation, physicochemical variation, residue mobility, and thermodynamic stability) indicates that this missense variant is not expected to disrupt HDAC8 protein function with a negative predictive value of 80%. In summary, the available evidence is currently insufficient to determine the role of this variant in disease. Therefore, it has been classified as a Variant of Uncertain Significance.